The following is an entry in ClinVar:

NM_182961.4(SYNE1):c.2395G>A (p.Val799Ile)

Gene: SYNE1 (spectrin repeat containing nuclear envelope protein 1; minus strand). Cytogenetic location: 6q25.2.
Variant type: single nucleotide variant.
Coding change: c.2395G>A on transcript NM_182961.4 (MANE Select); coding-DNA position 2395, G replaced by A.
Protein change: p.Val799Ile; replaces valine 799 with isoleucine.
Molecular consequence: missense variant.
Genome position (GRCh38, 1-based): chr6:152,458,930, C>T on the plus strand (G>A on the coding strand, the complement: SYNE1 is on the minus strand). VCF-style: chr6-152458930-C-T. GRCh37 (hg19) VCF-style: chr6-152780065-C-T.
Other names: c.2416G>A, p.Val806Ile (NM_033071.5); short protein forms V799I, V806I.
Identifiers: ClinVar variation 355934 (VCV000355934.33), dbSNP rs199670962, ClinGen allele CA4059142.

ClinVar aggregate classification (germline): Benign/Likely benign. Review status: criteria provided, multiple submitters, no conflicts (2 of 4 stars). 8 submissions from 7 submitters: Benign (5); Likely benign (1). 2 of the submissions do not count toward it. Last evaluated 2026-01-19.

Conditions:
Autosomal recessive ataxia, Beauce type. Also called: SYNE1 Deficiency; ATAXIA, RECESSIVE, OF BEAUCE; SYNE1-Related Autosomal Recessive Cerebellar Ataxia; Spinocerebellar ataxia, autosomal recessive 8. Identifiers: Orphanet 88644, MedGen C1853116, MONDO:0012549, OMIM 610743.
Emery-Dreifuss muscular dystrophy 4, autosomal dominant (EDMD4). Also called: EMERY-DREIFUSS MUSCULAR DYSTROPHY 4 WITH VARIABLE FEATURES. Identifiers: Orphanet 261, MedGen C2751807, MONDO:0013071, OMIM 612998.

Allele frequency attached by ClinVar (database versions not stated): TOPMed 0.00010; gnomAD 0.00011 and 0.00053; gnomAD exomes 0.00158; ExAC 0.00180; 1000 Genomes Project 30x 0.00281; 1000 Genomes Project 0.00319.
gnomAD v4.1: 1,221 of 1,613,768 alleles (0.076%); highest among the groups gnomAD compares: South Asian, 1.2%; 20 homozygotes.

Submissions (8):

Labcorp Genetics (formerly Invitae), Labcorp
Classification: Benign for Emery-Dreifuss muscular dystrophy 4, autosomal dominant; Autosomal recessive ataxia, Beauce type. Last evaluated: 2026-01-19. Review status: criteria provided, single submitter. Criteria: Invitae Variant Classification Sherloc (09022015). Collection method: clinical testing. Allele origin: germline.

CeGaT Center for Human Genetics Tuebingen
Classification: Benign. Last evaluated: 2024-11-01. Review status: criteria provided, single submitter. Criteria: CeGaT Center For Human Genetics Tuebingen Variant Classification Criteria Version 2. Collection method: clinical testing. Allele origin: germline. Affected: yes. Observed: 1 variant allele.
Comment: SYNE1: BP4, BS1, BS2

GeneDx
Classification: Likely benign. Last evaluated: 2021-10-26. Review status: criteria provided, single submitter. Criteria: GeneDx Variant Classification Process June 2021. Collection method: clinical testing. Allele origin: germline. Affected: yes.

Athena Diagnostics
Classification: Benign. Last evaluated: 2019-04-24. Review status: criteria provided, single submitter. Criteria: Athena Diagnostics Criteria. Collection method: clinical testing. Allele origin: germline.

Illumina Laboratory Services, Illumina
Classification: Benign for Emery-Dreifuss muscular dystrophy 4, autosomal dominant. Last evaluated: 2018-01-12. Review status: criteria provided, single submitter. Criteria: ICSL Variant Classification Criteria 13 December 2019. Collection method: clinical testing. Allele origin: germline.
Comment: This variant was observed in the ICSL laboratory as part of a predisposition screen in an ostensibly healthy population. It had not been previously curated by ICSL or reported in the Human Gene Mutation Database (HGMD: prior to June 1st, 2018), and was therefore a candidate for classification through an automated scoring system. Utilizing variant allele frequency, disease prevalence and penetrance estimates, and inheritance mode, an automated score was calculated to assess if this variant is too frequent to cause the disease. Based on the score and internal cut-off values, a variant classified as benign is not then subjected to further curation. The score for this variant resulted in a classification of benign for this disease.

Illumina Laboratory Services, Illumina
Classification: Benign for Autosomal recessive ataxia, Beauce type. Last evaluated: 2018-01-12. Review status: criteria provided, single submitter. Criteria: ICSL Variant Classification Criteria 13 December 2019. Collection method: clinical testing. Allele origin: germline.
Comment: the same text as in the submission from Illumina Laboratory Services, Illumina above.

Clinical Genetics DNA and cytogenetics Diagnostics Lab, Erasmus MC, Erasmus Medical Center
Classification: Likely benign. Review status: no assertion criteria provided. Collection method: clinical testing. Allele origin: germline. Affected: yes. Study: VKGL Data-share Consensus. Not counted in ClinVar's aggregate classification.

Genome Diagnostics Laboratory, University Medical Center Utrecht
Classification: Likely benign. Review status: no assertion criteria provided. Collection method: clinical testing. Allele origin: germline. Affected: yes. Study: VKGL Data-share Consensus. Not counted in ClinVar's aggregate classification.